The following is an entry in ClinVar:

NM_001384900.1(SEMA3D):c.1289C>G (p.Ser430Cys)

Gene: SEMA3D (semaphorin 3D; minus strand). Cytogenetic location: 7q21.11.
Variant type: single nucleotide variant.
Coding change: c.1289C>G on transcript NM_001384900.1 (MANE Select); coding-DNA position 1289, C replaced by G.
Protein change: p.Ser430Cys; replaces serine 430 with cysteine.
Molecular consequence: missense variant.
Genome position (GRCh38, 1-based): chr7:85,022,516, G>C on the plus strand (C>G on the coding strand, the complement: SEMA3D is on the minus strand). VCF-style: chr7-85022516-G-C. GRCh37 (hg19) VCF-style: chr7-84651832-G-C.
Other names: c.1289C>G, p.Ser430Cys (NM_001384901.1, NM_001384902.1, NM_001384903.1 and 1 more transcripts); short protein forms S430C.
Identifiers: ClinVar variation 3345072 (VCV003345072.1).

ClinVar aggregate classification (germline): Uncertain significance (0 of 4 stars; one submission).

Conditions:
SEMA3D-related disorder. Also called: SEMA3D-related condition.

gnomAD v4.1: 8 of 1,612,148 alleles (0.0005%); highest among the groups gnomAD compares: Non-Finnish European, 0.00068%; no homozygotes.

Submission:

PreventionGenetics, part of Exact Sciences
Classification: Uncertain significance for SEMA3D-related condition. Last evaluated: 2024-06-07. Review status: no assertion criteria provided. Collection method: clinical testing. Allele origin: germline.
Comment: The SEMA3D c.1289C>G variant is predicted to result in the amino acid substitution p.Ser430Cys. To our knowledge, this variant has not been reported in the literature. This variant is reported in 0.00088% of alleles in individuals of European (Non-Finnish) descent in gnomAD. At this time, the clinical significance of this variant is uncertain due to the absence of conclusive functional and genetic evidence.